The following is an entry in ClinVar:

ClinVar aggregate classification (germline): Uncertain significance (1 of 4 stars; one submission).

gnomAD v4.1: 8 of 1,608,642 alleles (0.0005%); highest among the groups gnomAD compares: South Asian, 0.0078%; no homozygotes.

Submission:

Ambry Genetics
Classification: Uncertain significance. Last evaluated: 2026-03-23. Review status: criteria provided, single submitter. Criteria: Ambry Variant Classification Scheme 2023. Collection method: clinical testing. Allele origin: germline.
Comment: The p.N1235S variant (also known as c.3704A>G), located in coding exon 13 of the CDK12 gene, results from an A to G substitution at nucleotide position 3704. The asparagine at codon 1235 is replaced by serine, an amino acid with highly similar properties. This amino acid position is conserved. In addition, this alteration is predicted to be tolerated by in silico analysis. Based on the available evidence, the clinical significance of this variant remains unclear.

NM_016507.4(CDK12):c.3704A>G (p.Asn1235Ser)

Gene: CDK12 (cyclin dependent kinase 12; plus strand). Cytogenetic location: 17q12.
Variant type: single nucleotide variant.
Coding change: c.3704A>G on transcript NM_016507.4 (MANE Select); coding-DNA position 3704, A replaced by G.
Protein change: p.Asn1235Ser; replaces asparagine 1235 with serine.
Molecular consequence: missense variant.
Genome position (GRCh38, 1-based): chr17:39,526,260, A>G. VCF-style: chr17-39526260-A-G. GRCh37 (hg19) VCF-style: chr17-37682513-A-G.
Other names: c.3704A>G, p.Asn1235Ser (NM_015083.4); short protein forms N1235S.
Identifiers: ClinVar variation 4868456 (VCV004868456.1).
Genomic context (GRCh38, chr17:39,526,260, plus strand): 5'-GTCAGCTGATGAAAACCCAAGAGCCAGCAGGCAGTCTGGAGGAAAACAACAGTGACAAGA[A>G]CAGTGGGCCACAGGGGCCCCGAAGAACTCCCACAATGCCACAGGAGGAGGCAGCAGGTAA-3'
Protein context (NP_057591.2, residues 1225-1245): GSLEENNSDK[Asn1235Ser]SGPQGPRRTP